The following is an entry in ClinVar:

ClinVar aggregate classification (germline): Uncertain significance. Review status: criteria provided, multiple submitters, no conflicts (2 of 4 stars). 2 submissions from 2 submitters: Uncertain significance (2). Last evaluated 2026-03-31.

Conditions:
Inborn genetic diseases. Identifiers: MedGen C0950123, MeSH D030342.

Allele frequency attached by ClinVar (database versions not stated): ExAC 0.00001.

Submissions (2):

GeneDx
Classification: Uncertain significance. Last evaluated: 2026-03-31. Review status: criteria provided, single submitter. Criteria: GeneDx Variant Classification Process June 2021. Collection method: clinical testing. Allele origin: germline.
Comment: In silico analysis suggests that this missense variant does not alter protein structure/function; Has not been previously published as pathogenic or benign to our knowledge

Ambry Genetics
Classification: Uncertain significance for Inborn genetic diseases. Last evaluated: 2023-02-23. Review status: criteria provided, single submitter. Criteria: Ambry Variant Classification Scheme 2023. Collection method: clinical testing. Allele origin: germline.

NM_030632.3(ASXL3):c.2402A>G (p.Gln801Arg)

Gene: ASXL3 (ASXL transcriptional regulator 3; plus strand). Cytogenetic location: 18q12.1.
Variant type: single nucleotide variant.
Coding change: c.2402A>G on transcript NM_030632.3 (MANE Select); coding-DNA position 2402, A replaced by G.
Protein change: p.Gln801Arg; replaces glutamine 801 with arginine.
Molecular consequence: missense variant.
Genome position (GRCh38, 1-based): chr18:33,739,806, A>G. VCF-style: chr18-33739806-A-G. GRCh37 (hg19) VCF-style: chr18-31319770-A-G.
Other names: short protein forms Q801R.
Identifiers: ClinVar variation 2488498 (VCV002488498.3), dbSNP rs769065303, ClinGen allele CA8933913.